The following is an entry in ClinVar:

ClinVar aggregate classification (germline): Conflicting classifications of pathogenicity. Review status: criteria provided, conflicting classifications (1 of 4 stars). 4 submissions from 3 submitters: Uncertain significance (1); Benign (2); Likely benign (1). Last evaluated 2025-05-20.

Conditions:
Dilated cardiomyopathy 1X (CMD1X). Also called: FKTN-Related Dilated Cardiomyopathy; CARDIOMYOPATHY, DILATED, WITH MILD OR NO PROXIMAL MUSCLE WEAKNESS. Identifiers: Orphanet 154, MedGen C1969024, MONDO:0012704, OMIM 611615.
Muscular dystrophy-dystroglycanopathy (congenital with brain and eye anomalies), type A, 4 (MDDGA4). Also called: WALKER-WARBURG SYNDROME OR MUSCLE-EYE-BRAIN DISEASE, FKTN-RELATED; Walker-Warburg Syndrome, Fktn-Related; Congenital muscular dystrophy-dystroglycanopathy with brain and eye anomalies, type A4; Muscular dystrophy, congenital progressive, with mental retardation; Muscular dystrophy, congenital, with central nervous system involvement; Cerebromuscular dystrophy, Fukuyama type. Identifiers: Orphanet 272, Orphanet 588, Orphanet 899, MedGen C0410174, MONDO:0009678, OMIM 253800.

Allele frequency attached by ClinVar (database versions not stated): ExAC 0.00093; gnomAD exomes 0.00134 and 0.00306; gnomAD 0.01412 and 0.01517; 1000 Genomes Project 0.01478; TOPMed 0.01580; 1000 Genomes Project 30x 0.01655.
gnomAD v4.1: 4,120 of 1,535,198 alleles (0.27%); highest among the groups gnomAD compares: African/African-American, 4.9%; 106 homozygotes.

Submissions (4):

ARUP Laboratories, Molecular Genetics and Genomics, ARUP Laboratories
Classification: Benign. Last evaluated: 2025-05-20. Review status: criteria provided, single submitter. Criteria: ARUP Molecular Germline Variant Investigation Process 2024. Collection method: clinical testing. Allele origin: germline.

Illumina Laboratory Services, Illumina
Classification: Uncertain significance for Dilated cardiomyopathy 1X. Last evaluated: 2018-01-12. Review status: criteria provided, single submitter. Criteria: ICSL Variant Classification Criteria 13 December 2019. Collection method: clinical testing. Allele origin: germline.

Illumina Laboratory Services, Illumina
Classification: Likely benign for Muscular dystrophy-dystroglycanopathy (congenital with brain and eye anomalies), type A, 4. Last evaluated: 2018-01-12. Review status: criteria provided, single submitter. Criteria: ICSL Variant Classification Criteria 13 December 2019. Collection method: clinical testing. Allele origin: germline.
Comment: This variant was observed in the ICSL laboratory as part of a predisposition screen in an ostensibly healthy population. It had not been previously curated by ICSL or reported in the Human Gene Mutation Database (HGMD: prior to June 1st, 2018), and was therefore a candidate for classification through an automated scoring system. Utilizing variant allele frequency, disease prevalence and penetrance estimates, and inheritance mode, an automated score was calculated to assess if this variant is too frequent to cause the disease. Based on the score and internal cut-off values, a variant classified as likely benign is not then subjected to further curation. The score for this variant resulted in a classification of likely benign for this disease.

GeneDx
Classification: Benign. Last evaluated: 2016-02-25. Review status: criteria provided, single submitter. Criteria: GeneDx Variant Classification (06012015). Collection method: clinical testing. Allele origin: germline. Affected: yes.
Comment: This variant is considered likely benign or benign based on one or more of the following criteria: it is a conservative change, it occurs at a poorly conserved position in the protein, it is predicted to be benign by multiple in silico algorithms, and/or has population frequency not consistent with disease.

NM_001079802.2(FKTN):c.*4825T>C

Gene: FKTN (fukutin; plus strand). Cytogenetic location: 9q31.2.
Variant type: single nucleotide variant.
Coding change: c.*4825T>C on transcript NM_001079802.2 (MANE Select); 4825 bases downstream of the stop codon, T replaced by C.
Molecular consequence: 3 prime UTR variant. On other transcripts: non-coding transcript variant (2), intron variant (1).
Genome position (GRCh38, 1-based): chr9:105,640,089, T>C. VCF-style: chr9-105640089-T-C. GRCh37 (hg19) VCF-style: chr9-108402370-T-C.
Other names: c.*4825T>C (NM_001351496.2, NM_001351497.2, NM_001351499.2 and 4 more transcripts); c.*5003T>C (NM_001351498.2); c.1271-12T>C (NM_001198963.2).
Identifiers: ClinVar variation 364521 (VCV000364521.18), dbSNP rs115155934, ClinGen allele CA5170644.
Genomic context (GRCh38, chr9:105,640,089, plus strand): 5'-TGTTAATAAAGGAGAATTGAAAATACTCATTTCTACTTTCTGCCCTCAAATTTCTGTTTC[T>C]ATCTCAACTAGGCAAGAATCAGCAGGGTGCATGATGCCATTTTAAGCTGCTTCACATCAG-3'